The following is an entry in ClinVar:

ClinVar aggregate classification (germline): Uncertain significance (1 of 4 stars; one submission).

gnomAD v4.1: 1 of 1,614,028 alleles (0.000062%); highest among the groups gnomAD compares: Non-Finnish European, 0.000085%; no homozygotes.

Submission:

Labcorp Genetics (formerly Invitae), Labcorp
Classification: Uncertain significance. Last evaluated: 2025-08-07. Review status: criteria provided, single submitter. Criteria: Invitae Variant Classification Sherloc (09022015). Collection method: clinical testing. Allele origin: germline.
Comment: This sequence change replaces leucine, which is neutral and non-polar, with phenylalanine, which is neutral and non-polar, at codon 1211 of the LRRK1 protein (p.Leu1211Phe). This variant is not present in population databases (gnomAD no frequency). This variant has not been reported in the literature in individuals affected with LRRK1-related conditions. An algorithm developed to predict the effect of missense changes on protein structure and function outputs the following: PolyPhen-2: "Benign". The phenylalanine amino acid residue is found in multiple mammalian species, which suggests that this missense change does not adversely affect protein function. In summary, the available evidence is currently insufficient to determine the role of this variant in disease. Therefore, it has been classified as a Variant of Uncertain Significance.

NM_024652.6(LRRK1):c.3631C>T (p.Leu1211Phe)

Genes: LRRK1 (leucine rich repeat kinase 1; plus strand), LRRK1-AS1 (LRRK1 antisense RNA 1; minus strand). Cytogenetic location: 15q26.3.
Variant type: single nucleotide variant.
Coding change: c.3631C>T on transcript NM_024652.6 (MANE Select); coding-DNA position 3631, C replaced by T.
Protein change: p.Leu1211Phe; replaces leucine 1211 with phenylalanine.
Molecular consequence: missense variant.
Genome position (GRCh38, 1-based): chr15:101,051,902, C>T. VCF-style: chr15-101051902-C-T. GRCh37 (hg19) VCF-style: chr15-101592107-C-T.
Other names: short protein forms L1211F.
Identifiers: ClinVar variation 4741097 (VCV004741097.1).
Genomic context (GRCh38, chr15:101,051,902, plus strand): 5'-GAAGACTGTGTCCTGACGGCCATCGAGCGGGACTTCATCTCCTGCCCCAGACACCCGGAC[C>T]TCCCCGTGCCGCTGCAGGAGCTGGTCCCTGAACTGTTCATGACCGACTTCCCGGCCAGGT-3'
Protein context (NP_078928.3, residues 1201-1221): DFISCPRHPD[Leu1211Phe]PVPLQELVPE